The following is an entry in ClinVar:

NM_017763.6(RNF43):c.1459C>G (p.Leu487Val)

Gene: RNF43 (ring finger protein 43; minus strand). Cytogenetic location: 17q22.
Variant type: single nucleotide variant.
Coding change: c.1459C>G on transcript NM_017763.6 (MANE Select); coding-DNA position 1459, C replaced by G.
Protein change: p.Leu487Val; replaces leucine 487 with valine.
Molecular consequence: missense variant.
Genome position (GRCh38, 1-based): chr17:58,358,317, G>C on the plus strand (C>G on the coding strand, the complement: RNF43 is on the minus strand). VCF-style: chr17-58358317-G-C. GRCh37 (hg19) VCF-style: chr17-56435678-G-C.
Other names: c.1459C>G, p.Leu487Val (NM_001305544.3); c.1078C>G, p.Leu360Val (NM_001305545.2); short protein forms L360V, L487V.
Identifiers: ClinVar variation 3789873 (VCV003789873.1).

ClinVar aggregate classification (germline): Uncertain significance (1 of 4 stars; one submission).

Submission:

Ambry Genetics
Classification: Uncertain significance. Last evaluated: 2024-12-27. Review status: criteria provided, single submitter. Criteria: Ambry Variant Classification Scheme 2023. Collection method: clinical testing. Allele origin: germline.
Comment: The p.L487V variant (also known as c.1459C>G), located in coding exon 8 of the RNF43 gene, results from a C to G substitution at nucleotide position 1459. The leucine at codon 487 is replaced by valine, an amino acid with highly similar properties. This amino acid position is conserved. In addition, this alteration is predicted to be tolerated by in silico analysis. Based on the available evidence, the clinical significance of this variant remains unclear.